The following is an entry in ClinVar:

NM_005027.4(PIK3R2):c.1543G>A (p.Glu515Lys)

Gene: PIK3R2 (phosphoinositide-3-kinase regulatory subunit 2; plus strand). Cytogenetic location: 19p13.11.
Variant type: single nucleotide variant.
Coding change: c.1543G>A on transcript NM_005027.4 (MANE Select); coding-DNA position 1543, G replaced by A.
Protein change: p.Glu515Lys; replaces glutamic acid 515 with lysine.
Molecular consequence: missense variant. On other transcripts: non-coding transcript variant (2).
Genome position (GRCh38, 1-based): chr19:18,166,286, G>A. VCF-style: chr19-18166286-G-A. GRCh37 (hg19) VCF-style: chr19-18277096-G-A.
Other names: c.1543G>A, p.Glu515Lys (LRG_1392t1); short protein forms E515K.
Identifiers: ClinVar variation 468316 (VCV000468316.8), dbSNP rs765672206, ClinGen allele CA9307049.

ClinVar aggregate classification (germline): Uncertain significance (1 of 4 stars; one submission).

Conditions:
Megalencephaly-polymicrogyria-postaxial polydactyly-hydrocephalus syndrome. Also called: MEG-PMG-MEGACC SYNDROME; MPPH Syndrome. Identifiers: Orphanet 83473, MedGen C1863924, MONDO:0019375.

Allele frequency attached by ClinVar (database versions not stated): ExAC 0.00001; gnomAD 0.00001 and 0.00002; gnomAD exomes 0.00001; TOPMed 0.00001.

Submission:

Labcorp Genetics (formerly Invitae), Labcorp
Classification: Uncertain significance for Megalencephaly-polymicrogyria-postaxial polydactyly-hydrocephalus syndrome. Last evaluated: 2025-12-01. Review status: criteria provided, single submitter. Criteria: Invitae Variant Classification Sherloc (09022015). Collection method: clinical testing. Allele origin: germline.
Comment: This sequence change replaces glutamic acid, which is acidic and polar, with lysine, which is basic and polar, at codon 515 of the PIK3R2 protein (p.Glu515Lys). This variant is present in population databases (rs765672206, gnomAD 0.004%). This variant has not been reported in the literature in individuals affected with PIK3R2-related conditions. ClinVar contains an entry for this variant (Variation ID: 468316). Invitae Evidence Modeling of protein sequence and biophysical properties (such as structural, functional, and spatial information, amino acid conservation, physicochemical variation, residue mobility, and thermodynamic stability) indicates that this missense variant is not expected to disrupt PIK3R2 protein function with a negative predictive value of 80%. In summary, the available evidence is currently insufficient to determine the role of this variant in disease. Therefore, it has been classified as a Variant of Uncertain Significance.